The following is an entry in ClinVar:

ClinVar aggregate classification (germline): Uncertain significance (1 of 4 stars; one submission).

Submission:

Labcorp Genetics (formerly Invitae), Labcorp
Classification: Uncertain significance. Last evaluated: 2021-11-03. Review status: criteria provided, single submitter. Criteria: Invitae Variant Classification Sherloc (09022015). Collection method: clinical testing. Allele origin: germline.
Comment: In summary, the available evidence is currently insufficient to determine the role of this variant in disease. Therefore, it has been classified as a Variant of Uncertain Significance. Algorithms developed to predict the effect of missense changes on protein structure and function are either unavailable or do not agree on the potential impact of this missense change (SIFT: "Deleterious"; PolyPhen-2: "Benign"; Align-GVGD: "Class C0"). Algorithms developed to predict the effect of sequence changes on RNA splicing suggest that this variant may create or strengthen a splice site. This variant is not present in population databases (gnomAD no frequency). This variant has not been reported in the literature in individuals affected with FREM2-related conditions. This sequence change replaces glutamic acid, which is acidic and polar, with valine, which is neutral and non-polar, at codon 2316 of the FREM2 protein (p.Glu2316Val).

NM_207361.6(FREM2):c.6947A>T (p.Glu2316Val)

Gene: FREM2 (FRAS1 related extracellular matrix 2; plus strand). Cytogenetic location: 13q13.3.
Variant type: single nucleotide variant.
Coding change: c.6947A>T on transcript NM_207361.6 (MANE Select); coding-DNA position 6947, A replaced by T.
Protein change: p.Glu2316Val; replaces glutamic acid 2316 with valine.
Molecular consequence: missense variant.
Genome position (GRCh38, 1-based): chr13:38,856,147, A>T. VCF-style: chr13-38856147-A-T. GRCh37 (hg19) VCF-style: chr13-39430284-A-T.
Other names: short protein forms E2316V.
Identifiers: ClinVar variation 1388936 (VCV001388936.6), dbSNP rs2137916746, ClinGen allele CA387897422.